The following is an entry in ClinVar:

ClinVar aggregate classification (germline): Uncertain significance (1 of 4 stars; one submission).

Allele frequency attached by ClinVar (database versions not stated): gnomAD exomes below 0.00001.
gnomAD v4.1: 2 of 1,613,126 alleles (0.00012%); highest among the groups gnomAD compares: Non-Finnish European, 0.00017%; no homozygotes.

Submission:

GeneDx
Classification: Uncertain significance. Last evaluated: 2022-11-01. Review status: criteria provided, single submitter. Criteria: GeneDx Variant Classification Process June 2021. Collection method: clinical testing. Allele origin: germline. Affected: yes.
Comment: Not observed at significant frequency in large population cohorts (gnomAD); In silico analysis supports that this missense variant does not alter protein structure/function; Has not been previously published as pathogenic or benign to our knowledge

NM_000126.4(ETFA):c.483G>C (p.Glu161Asp)

Gene: ETFA (electron transfer flavoprotein subunit alpha; minus strand). Cytogenetic location: 15q24.2.
Variant type: single nucleotide variant.
Coding change: c.483G>C on transcript NM_000126.4 (MANE Select); coding-DNA position 483, G replaced by C.
Protein change: p.Glu161Asp; replaces glutamic acid 161 with aspartic acid.
Molecular consequence: missense variant.
Genome position (GRCh38, 1-based): chr15:76,286,450, C>G on the plus strand (G>C on the coding strand, the complement: ETFA is on the minus strand). VCF-style: chr15-76286450-C-G. GRCh37 (hg19) VCF-style: chr15-76578791-C-G.
Other names: c.336G>C, p.Glu112Asp (NM_001127716.2); short protein forms E112D, E161D.
Identifiers: ClinVar variation 2500579 (VCV002500579.1), dbSNP rs1331535487, ClinGen allele CA393513709.